The following is an entry in ClinVar:

ClinVar aggregate classification (germline): Uncertain significance. Review status: criteria provided, multiple submitters, no conflicts (2 of 4 stars). 2 submissions from 2 submitters: Uncertain significance (2). Last evaluated 2022-09-16.

Conditions:
Familial cancer of breast. Also called: BREAST CANCER, FAMILIAL; Hereditary breast cancer; hereditary breast carcinoma. Identifiers: Orphanet 227535, MedGen C0346153, MONDO:0016419, OMIM 114480. Disease mechanism: loss of function.

Submissions (2):

GeneDx
Classification: Uncertain significance. Last evaluated: 2022-09-16. Review status: criteria provided, single submitter. Criteria: GeneDx Variant Classification Process June 2021. Collection method: clinical testing. Allele origin: germline. Affected: yes.
Comment: Not observed at significant frequency in large population cohorts (gnomAD); In silico analysis supports that this missense variant does not alter protein structure/function; Has not been previously published as pathogenic or benign to our knowledge

Labcorp Genetics (formerly Invitae), Labcorp
Classification: Uncertain significance for Familial cancer of breast. Last evaluated: 2020-11-12. Review status: criteria provided, single submitter. Criteria: Invitae Variant Classification Sherloc (09022015). Collection method: clinical testing. Allele origin: germline.
Comment: This sequence change replaces alanine with valine at codon 519 of the PALB2 protein (p.Ala519Val). The alanine residue is moderately conserved and there is a small physicochemical difference between alanine and valine. This variant is not present in population databases (ExAC no frequency). This variant has not been reported in the literature in individuals with PALB2-related conditions. Algorithms developed to predict the effect of missense changes on protein structure and function output the following: SIFT: "Tolerated"; PolyPhen-2: "Benign"; Align-GVGD: "Class C0". The valine amino acid residue is found in multiple mammalian species, suggesting that this missense change does not adversely affect protein function. These predictions have not been confirmed by published functional studies and their clinical significance is uncertain. In summary, the available evidence is currently insufficient to determine the role of this variant in disease. Therefore, it has been classified as a Variant of Uncertain Significance.

NM_024675.4(PALB2):c.1556C>T (p.Ala519Val)

Gene: PALB2 (partner and localizer of BRCA2; minus strand). Cytogenetic location: 16p12.2.
Variant type: single nucleotide variant.
Coding change: c.1556C>T on transcript NM_024675.4 (MANE Select); coding-DNA position 1556, C replaced by T.
Protein change: p.Ala519Val; replaces alanine 519 with valine.
Molecular consequence: missense variant.
Genome position (GRCh38, 1-based): chr16:23,634,990, G>A on the plus strand (C>T on the coding strand, the complement: PALB2 is on the minus strand). VCF-style: chr16-23634990-G-A. GRCh37 (hg19) VCF-style: chr16-23646311-G-A.
Other names: c.1556C>T (NM_024675.3); short protein forms A519V.
Identifiers: ClinVar variation 1391309 (VCV001391309.9), dbSNP rs1340452845, ClinGen allele CA395130784.
Genomic context (GRCh38, chr16:23,634,990, plus strand): 5'-ACAATCGACAGGCTAGAAGTTGGCAAAAGTGGTTCACAATGATCTGATGCTGGGGTGCAG[G>A]CTGATTTTCTTTTTCCTGTGTATCTTCTACCAGGTGCTTGGGCAACTGCCTTCCTAGACA-3'
Protein context (NP_078951.2, residues 509-529): GRRYTGKRKS[Ala519Val]CTPASDHCEP